The following is an entry in ClinVar:

NM_006073.4(TRDN):c.1421-13T>A

Gene: TRDN (triadin; minus strand). Cytogenetic location: 6q22.31.
Variant type: single nucleotide variant.
Coding change: c.1421-13T>A on transcript NM_006073.4 (MANE Select); 13 bases into the intron before coding-DNA position 1421, T replaced by A.
Molecular consequence: intron variant.
Genome position (GRCh38, 1-based): chr6:123,331,942, A>T on the plus strand (T>A on the coding strand, the complement: TRDN is on the minus strand). VCF-style: chr6-123331942-A-T. GRCh37 (hg19) VCF-style: chr6-123653087-A-T.
Identifiers: ClinVar variation 3725009 (VCV003725009.2).

ClinVar aggregate classification (germline): Uncertain significance (1 of 4 stars; one submission).

Conditions:
Catecholaminergic polymorphic ventricular tachycardia 1. Also called: RYR2-Related Catecholaminergic Polymorphic Ventricular Tachycardia; VENTRICULAR TACHYCARDIA, CATECHOLAMINERGIC POLYMORPHIC, 1, WITH OR WITHOUT ATRIAL DYSFUNCTION AND/OR DILATED CARDIOMYOPATHY; VENTRICULAR TACHYCARDIA, STRESS-INDUCED POLYMORPHIC 1. Identifiers: Orphanet 3286, MedGen C1631597, MONDO:0011484, OMIM 604772.

Submission:

Labcorp Genetics (formerly Invitae), Labcorp
Classification: Uncertain significance for Catecholaminergic polymorphic ventricular tachycardia 1. Last evaluated: 2024-11-11. Review status: criteria provided, single submitter. Criteria: Invitae Variant Classification Sherloc (09022015). Collection method: clinical testing. Allele origin: germline.
Comment: This sequence change falls in intron 22 of the TRDN gene. It does not directly change the encoded amino acid sequence of the TRDN protein. This variant is not present in population databases (gnomAD no frequency). This variant has not been reported in the literature in individuals affected with TRDN-related conditions. Algorithms developed to predict the effect of sequence changes on RNA splicing suggest that this variant may disrupt the consensus splice site. In summary, the available evidence is currently insufficient to determine the role of this variant in disease. Therefore, it has been classified as a Variant of Uncertain Significance.